The following is an entry in ClinVar:

NM_000213.5(ITGB4):c.2328G>T (p.Thr776=)

Gene: ITGB4 (integrin subunit beta 4; plus strand). Cytogenetic location: 17q25.1.
Variant type: single nucleotide variant.
Coding change: c.2328G>T on transcript NM_000213.5 (MANE Select); coding-DNA position 2328, G replaced by T.
Protein change: p.Thr776=; no amino-acid change (threonine 776 retained).
Molecular consequence: synonymous variant.
Genome position (GRCh38, 1-based): chr17:75,739,953, G>T. VCF-style: chr17-75739953-G-T. GRCh37 (hg19) VCF-style: chr17-73736034-G-T.
Other names: c.2328G>T, p.Thr776= (NM_001005619.2, NM_001005731.3, NM_001321123.2).
Identifiers: ClinVar variation 2971651 (VCV002971651.4), dbSNP rs148267210, ClinGen allele CA8769357.

ClinVar aggregate classification (germline): Likely benign. Review status: criteria provided, single submitter (1 of 4 stars). 2 submissions from 2 submitters: Likely benign (1). 1 of the submissions does not count toward it. Last evaluated 2024-03-13.

Conditions:
ITGB4-related disorder. Also called: ITGB4-related condition.

gnomAD v4.1: 59 of 1,613,282 alleles (0.0037%); highest among the groups gnomAD compares: East Asian, 0.12%; no homozygotes.

Submissions (2):

Labcorp Genetics (formerly Invitae), Labcorp
Classification: Likely benign. Last evaluated: 2024-03-13. Review status: criteria provided, single submitter. Criteria: Invitae Variant Classification Sherloc (09022015). Collection method: clinical testing. Allele origin: germline.

PreventionGenetics, part of Exact Sciences
Classification: Likely benign for ITGB4-related condition. Last evaluated: 2022-08-21. Review status: no assertion criteria provided. Collection method: clinical testing. Allele origin: germline. Not counted in ClinVar's aggregate classification.
Comment: This variant is classified as likely benign based on ACMG/AMP sequence variant interpretation guidelines (Richards et al. 2015 PMID: 25741868, with internal and published modifications).